The following is an entry in ClinVar:

ClinVar aggregate classification (germline): Likely benign (1 of 4 stars; one submission).

Submission:

GeneDx
Classification: Likely benign. Last evaluated: 2021-05-25. Review status: criteria provided, single submitter. Criteria: GeneDx Variant Classification Process June 2021. Collection method: clinical testing. Allele origin: germline. Affected: yes.
Comment: See Variant Classification Assertion Criteria.

NM_004115.4(FGF14):c.408+141dup

Gene: FGF14 (fibroblast growth factor 14; minus strand). Cytogenetic location: 13q33.1.
Variant type: Duplication.
Coding change: c.408+141dup on transcript NM_004115.4 (MANE Select); 141 bases into the intron after coding-DNA position 408, one base duplicated (A; older notation c.408+141dupA).
Molecular consequence: intron variant.
Genome position (GRCh38, 1-based): chr13:101,868,584, T duplicated on the plus strand (A on the coding strand, the reverse complement: FGF14 is on the minus strand); the first of 2 consecutive T bases (chr13:101,868,584-101,868,585); duplicating either gives the same sequence. VCF-style (leftmost placement, unchanged base first): chr13-101868583-C-CT. GRCh37 (hg19) VCF-style: chr13-102520933-C-CT.
Other names: c.267+141dup (NM_001321947.2); c.306+141dup (NM_001379342.1, NM_001321948.2, NM_001321945.2); c.156+141dup (NM_001321946.2, NM_001321949.1, NM_001321943.1 and 4 more transcripts); c.228+141dup (NM_001321938.2, NM_001321940.1, NM_001321933.1); c.312+141dup (NM_001321939.2); c.423+141dup (NM_175929.3, NM_001321937.2); c.222+141dup (NM_001321941.2); c.219+141dup (NM_001321944.1, NM_001321936.1, NM_001321932.1).
Identifiers: ClinVar variation 1704904 (VCV001704904.2), dbSNP rs200264738, ClinGen allele CA256136489.
Genomic context (GRCh38, chr13:101,868,583, plus strand): 5'-ATAGTATTACACTTCCTTTAGATAAACTCATATTACTAAACACTGGTGAATAATAAACAG[C>CT]TTCTAAGCATTCTCGCAAAGATCAAATACTAAGGCAAAAACTGGCAGAAACAACAGACAT-3'